The following is an entry in ClinVar:

ClinVar aggregate classification (germline): Likely benign. Review status: criteria provided, multiple submitters, no conflicts (2 of 4 stars). 2 submissions from 2 submitters: Likely benign (2). Last evaluated 2025-10-09.

Conditions:
Progressive myoclonic epilepsy type 9. Identifiers: Orphanet 457265, MedGen C4225289, MONDO:0014685, OMIM 616540.
Lipodystrophy, partial, acquired, susceptibility to (APLD). Also called: APLD, SUSCEPTIBILITY TO. Identifiers: MedGen C3887501, MONDO:0100476, OMIM 608709.

Allele frequency attached by ClinVar (database versions not stated): gnomAD exomes 0.00002 and 0.00004; TOPMed 0.00002; ExAC 0.00005.

Submissions (2):

Labcorp Genetics (formerly Invitae), Labcorp
Classification: Likely benign for Progressive myoclonic epilepsy type 9; Lipodystrophy, partial, acquired, susceptibility to. Last evaluated: 2025-10-09. Review status: criteria provided, single submitter. Criteria: Invitae Variant Classification Sherloc (09022015). Collection method: clinical testing. Allele origin: germline.

CeGaT Center for Human Genetics Tuebingen
Classification: Likely benign. Last evaluated: 2023-01-01. Review status: criteria provided, single submitter. Criteria: CeGaT Center For Human Genetics Tuebingen Variant Classification Criteria Version 2. Collection method: clinical testing. Allele origin: germline. Affected: yes. Observed: 1 variant allele.
Comment: LMNB2: BP4, BP7

NM_032737.4(LMNB2):c.1608G>A (p.Ala536=)

Gene: LMNB2 (lamin B2; minus strand). Cytogenetic location: 19p13.3.
Variant type: single nucleotide variant.
Coding change: c.1608G>A on transcript NM_032737.4 (MANE Select); coding-DNA position 1608, G replaced by A.
Protein change: p.Ala536=; no amino-acid change (alanine 536 retained).
Molecular consequence: synonymous variant.
Genome position (GRCh38, 1-based): chr19:2,431,885, C>T on the plus strand (G>A on the coding strand, the complement: LMNB2 is on the minus strand). VCF-style: chr19-2431885-C-T. GRCh37 (hg19) VCF-style: chr19-2431883-C-T.
Identifiers: ClinVar variation 721580 (VCV000721580.31), dbSNP rs778351054, ClinGen allele CA9067402.